The following is an entry in ClinVar:

ClinVar aggregate classification (germline): Pathogenic (1 of 4 stars; one submission).

Conditions:
Microcephaly with or without chorioretinopathy, lymphedema, or impaired intellectual development. Also called: MICROCEPHALY AND CHORIORETINOPATHY WITH OR WITHOUT MENTAL RETARDATION, AUTOSOMAL DOMINANT; MICROCEPHALY, LYMPHEDEMA, CHORIORETINAL DYSPLASIA SYNDROME; Microcephaly with or without chorioretinopathy, lymphedema, or intellectual disability; Microcephaly with or without chorioretinopathy, lymphedema, or mental retardation; Microcephaly lymphedema chorioretinal dysplasia. Identifiers: Orphanet 2526, MedGen C1835265, MONDO:0007918, OMIM 152950.

Submission:

3billion
Classification: Pathogenic for Microcephaly with or without chorioretinopathy, lymphedema, or impaired intellectual development. Last evaluated: 2022-05-22. Review status: criteria provided, single submitter. Criteria: ACMG Guidelines, 2015. Collection method: clinical testing. Allele origin: germline. Affected: yes. Observed: 1 heterozygote.
Comment: The variant is not observed in the gnomAD v2.1.1 dataset. Frameshift: predicted to result in a loss or disruption of normal protein function through nonsense-mediated decay (NMD) or protein truncation. Multiple pathogenic variants are reported downstream of the variant. The variant has been reported to be associated with KIF11 related disorder (PMID: 33137195). Therefore, this variant is classified as pathogenic according to the recommendation of ACMG/AMP guideline.

Literature cited by the submitters: PubMed 33137195.

NM_004523.4(KIF11):c.2507_2510del (p.Ser835_Ser836insTer)

Gene: KIF11 (kinesin family member 11; plus strand). Cytogenetic location: 10q23.33.
Variant type: Deletion.
Coding change: c.2507_2510del on transcript NM_004523.4 (MANE Select); coding-DNA positions 2507 to 2510, 4 bases deleted (CCTT; older notation c.2507_2510delCCTT).
Protein change: p.Ser835_Ser836insTer.
Molecular consequence: nonsense.
Genome position (GRCh38, 1-based): chr10:92,645,602-92,645,605, CCTT deleted; deleting any 4 consecutive bases within chr10:92,645,599-92,645,605 gives the same sequence; the c. name uses the placement nearest the transcript's 3' end. VCF-style (leftmost placement, unchanged base first): chr10-92645598-TCTTC-T. GRCh37 (hg19) VCF-style: chr10-94405355-TCTTC-T.
Identifiers: ClinVar variation 1687289 (VCV001687289.1), dbSNP rs2135923477, ClinGen allele CA2573145828.